The following is an entry in ClinVar:

ClinVar aggregate classification (germline): Benign. Review status: criteria provided, multiple submitters, no conflicts (2 of 4 stars). 12 submissions from 12 submitters: Benign (8). 4 of the submissions do not count toward it. Last evaluated 2026-02-04.

Conditions:
Galactosylceramide beta-galactosidase deficiency. Also called: GALACTOCEREBROSIDASE DEFICIENCY; GALC DEFICIENCY; Leukodystrophy, Globoid Cell; Krabbe Disease; GLOBOID CELL LEUKOENCEPHALOPATHY. Identifiers: Orphanet 487, MedGen C0023521, MONDO:0009499, OMIM 245200.

Allele frequency attached by ClinVar (database versions not stated): 1000 Genomes Project 0.07867; 1000 Genomes Project 30x 0.08104; ESP Exome Variant Server 0.09192; TOPMed 0.10553; gnomAD 0.11183 and 0.11300; gnomAD exomes 0.11742 and 0.14283; ExAC 0.16435.
gnomAD v4.1: 221,168 of 1,586,138 alleles (14%); highest among the groups gnomAD compares: Middle Eastern, 16%; 16,698 homozygotes.

Submissions (12):

Labcorp Genetics (formerly Invitae), Labcorp
Classification: Benign for Galactosylceramide beta-galactosidase deficiency. Last evaluated: 2026-02-04. Review status: criteria provided, single submitter. Criteria: Invitae Variant Classification Sherloc (09022015). Collection method: clinical testing. Allele origin: germline.

Blueprint Genetics
Classification: Benign. Last evaluated: 2024-11-27. Review status: criteria provided, single submitter. Criteria: ACMG Guidelines, 2015. Collection method: clinical testing. Allele origin: germline.

Genome-Nilou Lab
Classification: Benign for Galactosylceramide beta-galactosidase deficiency. Last evaluated: 2021-07-01. Review status: criteria provided, single submitter. Criteria: ACMG Guidelines, 2015. Collection method: clinical testing. Allele origin: germline. Affected: no.

Illumina Laboratory Services, Illumina
Classification: Benign for Galactosylceramide beta-galactosidase deficiency. Last evaluated: 2018-01-13. Review status: criteria provided, single submitter. Criteria: ICSL Variant Classification Criteria 13 December 2019. Collection method: clinical testing. Allele origin: germline.
Comment: This variant was observed in the ICSL laboratory as part of a predisposition screen in an ostensibly healthy population. It had not been previously curated by ICSL or reported in the Human Gene Mutation Database (HGMD: prior to June 1st, 2018), and was therefore a candidate for classification through an automated scoring system. Utilizing variant allele frequency, disease prevalence and penetrance estimates, and inheritance mode, an automated score was calculated to assess if this variant is too frequent to cause the disease. Based on the score and internal cut-off values, a variant classified as benign is not then subjected to further curation. The score for this variant resulted in a classification of benign for this disease.

GeneDx
Classification: Benign. Last evaluated: 2015-03-03. Review status: criteria provided, single submitter. Criteria: GeneDx Variant Classification Process June 2021. Collection method: clinical testing. Allele origin: germline. Affected: yes.

Eurofins Ntd Llc (ga)
Classification: Benign. Last evaluated: 2013-01-03. Review status: criteria provided, single submitter. Criteria: EGL Classification Definitions 2015. Collection method: clinical testing. Allele origin: germline. Observed: 28 variant alleles, 26 heterozygotes, 2 homozygotes.

Breakthrough Genomics
Classification: Benign. Review status: criteria provided, single submitter. Criteria: ACMG Guidelines, 2015. Collection method: not provided. Allele origin: germline. Inheritance: Autosomal recessive inheritance. Affected: yes.

PreventionGenetics, part of Exact Sciences
Classification: Benign. Review status: criteria provided, single submitter. Criteria: ACMG Guidelines, 2015. Collection method: clinical testing. Allele origin: germline.

Natera, Inc.
Classification: Benign for Galactosylceramide beta-galactosidase deficiency. Last evaluated: 2019-11-21. Review status: no assertion criteria provided. Collection method: clinical testing. Allele origin: germline. Not counted in ClinVar's aggregate classification.

Mayo Clinic Laboratories, Mayo Clinic
Classification: Benign. Last evaluated: 2015-10-26. Review status: no assertion criteria provided. Collection method: clinical testing. Allele origin: unknown. Not counted in ClinVar's aggregate classification.

Clinical Genetics DNA and cytogenetics Diagnostics Lab, Erasmus MC, Erasmus Medical Center
Classification: Benign. Review status: no assertion criteria provided. Collection method: clinical testing. Allele origin: germline. Affected: yes. Study: VKGL Data-share Consensus. Not counted in ClinVar's aggregate classification.

Clinical Genetics, Academic Medical Center
Classification: Benign. Review status: no assertion criteria provided. Collection method: clinical testing. Allele origin: germline. Affected: yes. Study: VKGL Data-share Consensus. Not counted in ClinVar's aggregate classification.

NM_000153.4(GALC):c.42G>C (p.Ala14=)

Gene: GALC (galactosylceramidase; minus strand). Cytogenetic location: 14q31.3.
Variant type: single nucleotide variant.
Coding change: c.42G>C on transcript NM_000153.4 (MANE Select); coding-DNA position 42, G replaced by C.
Protein change: p.Ala14=; no amino-acid change (alanine 14 retained).
Molecular consequence: synonymous variant. On other transcripts: intron variant (1).
Genome position (GRCh38, 1-based): chr14:87,993,123, C>G on the plus strand (G>C on the coding strand, the complement: GALC is on the minus strand). VCF-style: chr14-87993123-C-G. GRCh37 (hg19) VCF-style: chr14-88459467-C-G.
Other names: c.42G>C, p.Ala14= (NM_001201401.2); c.117+260G>C (NM_001201402.2).
Identifiers: ClinVar variation 92505 (VCV000092505.29), dbSNP rs112992946, ClinGen allele CA145815.